The following is an entry in ClinVar:

NM_020070.4(IGLL1):c.142A>G (p.Arg48Gly)

Gene: IGLL1 (immunoglobulin lambda like polypeptide 1; minus strand). Cytogenetic location: 22q11.23.
Variant type: single nucleotide variant.
Coding change: c.142A>G on transcript NM_020070.4 (MANE Select); coding-DNA position 142, A replaced by G.
Protein change: p.Arg48Gly; replaces arginine 48 with glycine.
Molecular consequence: missense variant.
Genome position (GRCh38, 1-based): chr22:23,580,049, T>C on the plus strand (A>G on the coding strand, the complement: IGLL1 is on the minus strand). VCF-style: chr22-23580049-T-C. GRCh37 (hg19) VCF-style: chr22-23922236-T-C.
Other names: c.142A>G, p.Arg48Gly (NM_001369906.1, NM_152855.3); short protein forms R48G.
Identifiers: ClinVar variation 966548 (VCV000966548.9), dbSNP rs555319123, ClinGen allele CA10143420.

ClinVar aggregate classification (germline): Uncertain significance. Review status: criteria provided, multiple submitters, no conflicts (2 of 4 stars). 2 submissions from 2 submitters: Uncertain significance (2). Last evaluated 2025-07-30.

Conditions:
Agammaglobulinemia 2, autosomal recessive (AGM2). Also called: AGAMMAGLOBULINEMIA, AUTOSOMAL RECESSIVE, DUE TO IGLL1 DEFECT. Identifiers: MedGen C3150750, MONDO:0013287, OMIM 613500.

Allele frequency attached by ClinVar (database versions not stated): gnomAD exomes 0.00001 and 0.00006; gnomAD 0.00010; TOPMed 0.00011; ExAC 0.00016; 1000 Genomes Project 30x 0.00047; 1000 Genomes Project 0.00060.
gnomAD v4.1: 33 of 1,575,144 alleles (0.0021%); highest among the groups gnomAD compares: African/African-American, 0.034%; no homozygotes.

Submissions (2):

Labcorp Genetics (formerly Invitae), Labcorp
Classification: Uncertain significance for Agammaglobulinemia 2, autosomal recessive. Last evaluated: 2025-07-30. Review status: criteria provided, single submitter. Criteria: Invitae Variant Classification Sherloc (09022015). Collection method: clinical testing. Allele origin: germline.
Comment: This sequence change replaces arginine, which is basic and polar, with glycine, which is neutral and non-polar, at codon 48 of the IGLL1 protein (p.Arg48Gly). This variant is present in population databases (rs555319123, gnomAD 0.07%), and has an allele count higher than expected for a pathogenic variant. This variant has not been reported in the literature in individuals affected with IGLL1-related conditions. ClinVar contains an entry for this variant (Variation ID: 966548). An algorithm developed to predict the effect of missense changes on protein structure and function (PolyPhen-2) suggests that this variant is likely to be tolerated. In summary, the available evidence is currently insufficient to determine the role of this variant in disease. Therefore, it has been classified as a Variant of Uncertain Significance.

Revvity Omics, Revvity
Classification: Uncertain significance for Agammaglobulinemia 2, autosomal recessive. Last evaluated: 2022-03-10. Review status: criteria provided, single submitter. Criteria: ACMG Guidelines, 2015. Collection method: clinical testing. Allele origin: germline.